The following is an entry in ClinVar:

NM_000138.5(FBN1):c.4057G>C (p.Gly1353Arg)

Gene: FBN1 (fibrillin 1; minus strand). Cytogenetic location: 15q21.1.
Variant type: single nucleotide variant.
Coding change: c.4057G>C on transcript NM_000138.5 (MANE Select); coding-DNA position 4057, G replaced by C.
Protein change: p.Gly1353Arg; replaces glycine 1353 with arginine.
Molecular consequence: missense variant.
Genome position (GRCh38, 1-based): chr15:48,474,558, C>G on the plus strand (G>C on the coding strand, the complement: FBN1 is on the minus strand). VCF-style: chr15-48474558-C-G. GRCh37 (hg19) VCF-style: chr15-48766755-C-G.
Other names: c.4057G>C (NM_000138.4); short protein forms G1353R.
Identifiers: ClinVar variation 1371510 (VCV001371510.7), dbSNP rs187177496, ClinGen allele CA392320463.
Genomic context (GRCh38, chr15:48,474,558, plus strand): 5'-ATAAGCAACCTCTGTTACTTTCCTACTCACCAGTGCACTTAATGCCATCTCCAATCCACC[C>G]GGGACTGCAGCTACATTTGAAGCTTCCTGCTGTATTGGTACATACAGCATGTTTGCCACA-3'
Protein context (NP_000129.3, residues 1343-1363): AGSFKCSCSP[Gly1353Arg]WIGDGIKCTD

ClinVar aggregate classification (germline): Conflicting classifications of pathogenicity. Review status: criteria provided, conflicting classifications (1 of 4 stars). 2 submissions from 2 submitters: Pathogenic (1); Uncertain significance (1). Last evaluated 2024-09-06.

Conditions:
Marfan syndrome (MFS). Also called: Marfan syndrome type 1; Marfan's syndrome; FBN1-Related Marfan Syndrome; MARFAN SYNDROME, TYPE I; Marfan syndrome, classic. Identifiers: Orphanet 284963, Orphanet 558, MedGen C0024796, MONDO:0007947, OMIM 154700.
Familial thoracic aortic aneurysm and aortic dissection (TAAD). Also called: Thoracic aortic aneurysms and dissections. Identifiers: Orphanet 91387, MedGen C4707243, MONDO:0019625.

Submissions (2):

GeneDx
Classification: Uncertain significance. Last evaluated: 2024-09-06. Review status: criteria provided, single submitter. Criteria: GeneDx Variant Classification Process June 2021. Collection method: clinical testing. Allele origin: germline. Affected: yes.
Comment: Has not been previously published as pathogenic or benign to our knowledge; Not observed at significant frequency in large population cohorts (gnomAD); Does not affect a cysteine or calcium-binding residue within an EGF-like domain or a TGF-binding protein domain of the FBN1 gene; cysteine substitutions in the EGF-like domains represent the majority of pathogenic missense changes associated with FBN1-related disorders (PMID: 12938084); In silico analysis supports that this missense variant has a deleterious effect on protein structure/function; This variant is associated with the following publications: (PMID: 12938084)

Labcorp Genetics (formerly Invitae), Labcorp
Classification: Pathogenic for Marfan syndrome; Familial thoracic aortic aneurysm and aortic dissection. Last evaluated: 2024-08-05. Review status: criteria provided, single submitter. Criteria: Invitae Variant Classification Sherloc (09022015). Collection method: clinical testing. Allele origin: germline.
Comment: This sequence change replaces glycine, which is neutral and non-polar, with arginine, which is basic and polar, at codon 1353 of the FBN1 protein (p.Gly1353Arg). This variant is not present in population databases (gnomAD no frequency). This missense change has been observed in individuals with clinical features of FBN1-related conditions (PMID: 19293843, 31211624; Invitae). ClinVar contains an entry for this variant (Variation ID: 1371510). Advanced modeling of protein sequence and biophysical properties (such as structural, functional, and spatial information, amino acid conservation, physicochemical variation, residue mobility, and thermodynamic stability) performed at Invitae indicates that this missense variant is expected to disrupt FBN1 protein function with a positive predictive value of 95%. This variant disrupts the p.Gly1353 amino acid residue in FBN1. Other variant(s) that disrupt this residue have been observed in individuals with FBN1-related conditions (Invitae), which suggests that this may be a clinically significant amino acid residue. For these reasons, this variant has been classified as Pathogenic.

Literature cited by the submitters: PubMed 19293843 (cited by Labcorp Genetics (formerly Invitae), Labcorp); PubMed 31211624 (cited by Labcorp Genetics (formerly Invitae), Labcorp).